The following is an entry in ClinVar:

ClinVar aggregate classification (germline): Benign/Likely benign. Review status: criteria provided, single submitter (1 of 4 stars). 3 submissions from 1 submitter: Benign (2); Likely benign (1). Last evaluated 2018-01-12.

Conditions:
Orofacial cleft 8. Also called: Cleft lip with or without cleft palate, nonsyndromic, 8. Identifiers: MedGen C1851878, MONDO:0029145, OMIM 618149.
Ectrodactyly, ectodermal dysplasia, and cleft lip-palate syndrome 3. Also called: Ectrodactyly, Ectodermal Dysplasia, Clefting Syndrome Type 3 (EEC3); Ectrodactyly, Ectodermal Dysplasia, Cleft Lip/Palate Syndrome 3 (EEC3); Ectrodactyly, Ectodermal Dysplasia, Clefting Syndrome; EEC SYNDROME 3. Identifiers: Orphanet 1896, MedGen C1858562, MONDO:0011428, OMIM 604292.
TP63-Related Spectrum Disorders.

Allele frequency attached by ClinVar (database versions not stated): gnomAD exomes 0.00101; 1000 Genomes Project 30x 0.00578; gnomAD 0.00603 and 0.00640; TOPMed 0.00679; 1000 Genomes Project 0.00699.
gnomAD v4.1: 982 of 226,092 alleles (0.43%); highest among the groups gnomAD compares: African/African-American, 2.1%; 6 homozygotes.

Submissions (3):

Illumina Laboratory Services, Illumina
Classification: Likely benign for Orofacial cleft 8. Last evaluated: 2018-01-12. Review status: criteria provided, single submitter. Criteria: ICSL Variant Classification Criteria 13 December 2019. Collection method: clinical testing. Allele origin: germline.
Comment: This variant was observed in the ICSL laboratory as part of a predisposition screen in an ostensibly healthy population. It had not been previously curated by ICSL or reported in the Human Gene Mutation Database (HGMD: prior to June 1st, 2018), and was therefore a candidate for classification through an automated scoring system. Utilizing variant allele frequency, disease prevalence and penetrance estimates, and inheritance mode, an automated score was calculated to assess if this variant is too frequent to cause the disease. Based on the score and internal cut-off values, a variant classified as likely benign is not then subjected to further curation. The score for this variant resulted in a classification of likely benign for this disease.

Illumina Laboratory Services, Illumina
Classification: Benign for TP63-Related Spectrum Disorders. Last evaluated: 2018-01-12. Review status: criteria provided, single submitter. Criteria: ICSL Variant Classification Criteria 13 December 2019. Collection method: clinical testing. Allele origin: germline.
Comment: This variant was observed in the ICSL laboratory as part of a predisposition screen in an ostensibly healthy population. It had not been previously curated by ICSL or reported in the Human Gene Mutation Database (HGMD: prior to June 1st, 2018), and was therefore a candidate for classification through an automated scoring system. Utilizing variant allele frequency, disease prevalence and penetrance estimates, and inheritance mode, an automated score was calculated to assess if this variant is too frequent to cause the disease. Based on the score and internal cut-off values, a variant classified as benign is not then subjected to further curation. The score for this variant resulted in a classification of benign for this disease.

Illumina Laboratory Services, Illumina
Classification: Benign for Ectrodactyly, ectodermal dysplasia, and cleft lip-palate syndrome 3. Last evaluated: 2018-01-12. Review status: criteria provided, single submitter. Criteria: ICSL Variant Classification Criteria 13 December 2019. Collection method: clinical testing. Allele origin: germline.
Comment: the same text as in the submission from Illumina Laboratory Services, Illumina above.

NM_003722.5(TP63):c.*1343T>C

Gene: TP63 (tumor protein p63; plus strand). Cytogenetic location: 3q28.
Variant type: single nucleotide variant.
Coding change: c.*1343T>C on transcript NM_003722.5 (MANE Select); 1343 bases downstream of the stop codon, T replaced by C.
Molecular consequence: 3 prime UTR variant.
Genome position (GRCh38, 1-based): chr3:189,895,845, T>C. VCF-style: chr3-189895845-T-C. GRCh37 (hg19) VCF-style: chr3-189613634-T-C.
Other names: c.*1624T>C (NM_001114978.2, NM_001114981.2); c.*1343T>C (NM_001114980.2, NM_001329146.2, NM_001329148.2 and 1 more transcripts); c.*1614T>C (NM_001329144.2, NM_001329145.2, NM_001329149.2 and 1 more transcripts).
Identifiers: ClinVar variation 902948 (VCV000902948.5), dbSNP rs35659283, ClinGen allele CA89714038.